The following is an entry in ClinVar:

ClinVar aggregate classification (germline): Likely benign. Review status: criteria provided, multiple submitters, no conflicts (2 of 4 stars). 2 submissions from 2 submitters: Likely benign (2). Last evaluated 2024-11-26.

Allele frequency attached by ClinVar (database versions not stated): gnomAD 0.00005; TOPMed 0.00006; ExAC 0.00007; gnomAD exomes 0.00007; 1000 Genomes Project 30x 0.00016; 1000 Genomes Project 0.00020.
gnomAD v4.1: 113 of 1,612,380 alleles (0.007%); highest among the groups gnomAD compares: Middle Eastern, 0.016%; no homozygotes.

Submissions (2):

Blueprint Genetics
Classification: Likely benign. Last evaluated: 2024-11-26. Review status: criteria provided, single submitter. Criteria: ACMG Guidelines, 2015. Collection method: clinical testing. Allele origin: germline.

CeGaT Center for Human Genetics Tuebingen
Classification: Likely benign. Last evaluated: 2024-02-01. Review status: criteria provided, single submitter. Criteria: CeGaT Center For Human Genetics Tuebingen Variant Classification Criteria Version 2. Collection method: clinical testing. Allele origin: germline. Affected: yes. Observed: 1 variant allele.
Comment: EPAS1: BP4

NM_001430.5(EPAS1):c.1444-8G>T

Gene: EPAS1 (endothelial PAS domain protein 1; plus strand). Cytogenetic location: 2p21.
Variant type: single nucleotide variant.
Coding change: c.1444-8G>T on transcript NM_001430.5 (MANE Select); 8 bases into the intron before coding-DNA position 1444, G replaced by T.
Molecular consequence: intron variant.
Genome position (GRCh38, 1-based): chr2:46,378,649, G>T. VCF-style: chr2-46378649-G-T. GRCh37 (hg19) VCF-style: chr2-46605788-G-T.
Identifiers: ClinVar variation 3024672 (VCV003024672.23), dbSNP rs542905925, ClinGen allele CA1645001.